The following is an entry in ClinVar:

ClinVar aggregate classification (germline): Uncertain significance (1 of 4 stars; one submission).

gnomAD v4.1: 1 of 1,586,182 alleles (0.000063%); highest among the groups gnomAD compares: Non-Finnish European, 0.000086%; no homozygotes.

Submission:

Labcorp Genetics (formerly Invitae), Labcorp
Classification: Uncertain significance. Last evaluated: 2020-03-14. Review status: criteria provided, single submitter. Criteria: Invitae Variant Classification Sherloc (09022015). Collection method: clinical testing. Allele origin: germline.
Comment: Algorithms developed to predict the effect of missense changes on protein structure and function (SIFT, PolyPhen-2, Align-GVGD) all suggest that this variant is likely to be tolerated, but these predictions have not been confirmed by published functional studies and their clinical significance is uncertain. In summary, the available evidence is currently insufficient to determine the role of this variant in disease. Therefore, it has been classified as a Variant of Uncertain Significance. This variant has not been reported in the literature in individuals with PCYT1A-related conditions. This variant is not present in population databases (ExAC no frequency). This sequence change replaces arginine with proline at codon 335 of the PCYT1A protein (p.Arg335Pro). The arginine residue is moderately conserved and there is a moderate physicochemical difference between arginine and proline.

NM_001312673.2(PCYT1A):c.1004G>C (p.Arg335Pro)

Gene: PCYT1A (phosphate cytidylyltransferase 1A, choline; minus strand). Cytogenetic location: 3q29.
Variant type: single nucleotide variant.
Coding change: c.1004G>C on transcript NM_001312673.2 (MANE Select); coding-DNA position 1004, G replaced by C.
Protein change: p.Arg335Pro; replaces arginine 335 with proline.
Molecular consequence: missense variant.
Genome position (GRCh38, 1-based): chr3:196,238,788, C>G on the plus strand (G>C on the coding strand, the complement: PCYT1A is on the minus strand). VCF-style: chr3-196238788-C-G. GRCh37 (hg19) VCF-style: chr3-195965659-C-G.
Other names: c.1004G>C, p.Arg335Pro (NM_005017.4); short protein forms R335P.
Identifiers: ClinVar variation 1022463 (VCV001022463.5), dbSNP rs754397679, ClinGen allele CA355607870.